The following is an entry in ClinVar:

NM_001242896.3(DEPDC5):c.4573CGG[5] (p.Arg1528_Asn1529insArg)

Gene: DEPDC5 (DEP domain containing 5, GATOR1 subcomplex subunit; plus strand). Cytogenetic location: 22q12.3.
Variant type: Microsatellite.
Coding change: c.4573CGG[5] on transcript NM_001242896.3 (MANE Select); five copies in a row of the 3-base unit CGG starting at c.4573; the reference has four copies in a row; one copy, 3 bases duplicated.
Protein change: p.Arg1528_Asn1529insArg.
Molecular consequence: inframe insertion. On other transcripts: non-coding transcript variant (5).
Genome position (GRCh38, 1-based): chr22:31,906,267-31,906,269, CGG duplicated; duplicating any 3 consecutive bases within chr22:31,906,257-31,906,269 gives the same sequence; the position shown is the placement nearest the transcript's 3' end. VCF-style (leftmost placement, unchanged base first): chr22-31906256-A-AGCG. GRCh37 (hg19) VCF-style: chr22-32302242-A-AGCG.
Other names: c.4546CGG[5], p.Arg1519_Asn1520insArg (NM_001136029.4); c.4273CGG[5], p.Arg1428_Asn1429insArg (NM_001242897.2); c.4507CGG[5], p.Arg1506_Asn1507insArg (NM_001363852.2, NM_001364320.2); c.4339CGG[5], p.Arg1450_Asn1451insArg (NM_001363854.2, NM_001364319.2); c.4573CGG[5], p.Arg1528_Asn1529insArg (NM_001364318.2); c.4489CGG[5], p.Arg1500_Asn1501insArg (NM_001369901.1, NM_001369902.1); c.4480CGG[5], p.Arg1497_Asn1498insArg (NM_001369903.1, NM_014662.6).
Identifiers: ClinVar variation 2002118 (VCV002002118.4), dbSNP rs2093756819, ClinGen allele CA2580615298.

ClinVar aggregate classification (germline): Uncertain significance (1 of 4 stars; one submission).

Conditions:
Familial focal epilepsy with variable foci (FPEVF). Identifiers: Orphanet 98820, MedGen C1858477, MONDO:0020310.

Submission:

Labcorp Genetics (formerly Invitae), Labcorp
Classification: Uncertain significance for Familial focal epilepsy with variable foci. Last evaluated: 2022-08-27. Review status: criteria provided, single submitter. Criteria: Invitae Variant Classification Sherloc (09022015). Collection method: clinical testing. Allele origin: germline.
Comment: In summary, the available evidence is currently insufficient to determine the role of this variant in disease. Therefore, it has been classified as a Variant of Uncertain Significance. Experimental studies and prediction algorithms are not available or were not evaluated, and the functional significance of this variant is currently unknown. This variant has not been reported in the literature in individuals affected with DEPDC5-related conditions. This variant is not present in population databases (gnomAD no frequency). This variant, c.4582_4584dup, results in the insertion of 1 amino acid(s) of the DEPDC5 protein (p.Arg1528dup), but otherwise preserves the integrity of the reading frame.